The following is an entry in ClinVar:

NM_001184.4(ATR):c.59+5G>C

Genes: ATR (ATR checkpoint kinase; minus strand), LOC129937703 (ATAC-STARR-seq lymphoblastoid active region 20643; plus strand). Cytogenetic location: 3q23.
Variant type: single nucleotide variant.
Coding change: c.59+5G>C on transcript NM_001184.4 (MANE Select); 5 bases into the intron after coding-DNA position 59, G replaced by C.
Molecular consequence: intron variant.
Genome position (GRCh38, 1-based): chr3:142,578,641, C>G on the plus strand (G>C on the coding strand, the complement: ATR is on the minus strand). VCF-style: chr3-142578641-C-G. GRCh37 (hg19) VCF-style: chr3-142297483-C-G.
Other names: c.59+5G>C (NM_001354579.2).
Identifiers: ClinVar variation 1517128 (VCV001517128.6), dbSNP rs1336253876, ClinGen allele CA2573136625.

ClinVar aggregate classification (germline): Uncertain significance (1 of 4 stars; one submission).

Submission:

Labcorp Genetics (formerly Invitae), Labcorp
Classification: Uncertain significance. Last evaluated: 2023-10-03. Review status: criteria provided, single submitter. Criteria: Invitae Variant Classification Sherloc (09022015). Collection method: clinical testing. Allele origin: germline.
Comment: This sequence change falls in intron 1 of the ATR gene. It does not directly change the encoded amino acid sequence of the ATR protein. It affects a nucleotide within the consensus splice site. This variant is not present in population databases (gnomAD no frequency). This variant has not been reported in the literature in individuals affected with ATR-related conditions. ClinVar contains an entry for this variant (Variation ID: 1517128). Variants that disrupt the consensus splice site are a relatively common cause of aberrant splicing (PMID: 17576681, 9536098). Algorithms developed to predict the effect of sequence changes on RNA splicing suggest that this variant is not likely to affect RNA splicing. In summary, the available evidence is currently insufficient to determine the role of this variant in disease. Therefore, it has been classified as a Variant of Uncertain Significance.

Literature cited by the submitters: PubMed 17576681; PubMed 9536098.